The following is an entry in ClinVar:

NM_001378454.1(ALMS1):c.755C>T (p.Ala252Val)

Gene: ALMS1 (ALMS1 centrosome and basal body associated protein; plus strand). Cytogenetic location: 2p13.1.
Variant type: single nucleotide variant.
Coding change: c.755C>T on transcript NM_001378454.1 (MANE Select); coding-DNA position 755, C replaced by T.
Protein change: p.Ala252Val; replaces alanine 252 with valine.
Molecular consequence: missense variant.
Genome position (GRCh38, 1-based): chr2:73,422,965, C>T. VCF-style: chr2-73422965-C-T. GRCh37 (hg19) VCF-style: chr2-73650093-C-T.
Other names: c.758C>T, p.Ala253Val (NM_015120.4); short protein forms A252V, A253V.
Identifiers: ClinVar variation 1371793 (VCV001371793.3), dbSNP rs2103710779, ClinGen allele CA347260275.

ClinVar aggregate classification (germline): Uncertain significance (1 of 4 stars; one submission).

Conditions:
Alstrom syndrome (ALMS). Identifiers: Orphanet 64, MedGen C0268425, MONDO:0008763, OMIM 203800.

Allele frequency attached by ClinVar (database versions not stated): gnomAD exomes below 0.00001.
gnomAD v4.1: 2 of 1,608,046 alleles (0.00012%); highest among the groups gnomAD compares: Non-Finnish European, 0.00017%; no homozygotes.

Submission:

Labcorp Genetics (formerly Invitae), Labcorp
Classification: Uncertain significance for Alstrom syndrome. Last evaluated: 2022-08-23. Review status: criteria provided, single submitter. Criteria: Invitae Variant Classification Sherloc (09022015). Collection method: clinical testing. Allele origin: germline.
Comment: This sequence change replaces alanine, which is neutral and non-polar, with valine, which is neutral and non-polar, at codon 253 of the ALMS1 protein (p.Ala253Val). This variant is not present in population databases (gnomAD no frequency). This variant has not been reported in the literature in individuals affected with ALMS1-related conditions. ClinVar contains an entry for this variant (Variation ID: 1371793). Experimental studies and prediction algorithms are not available or were not evaluated, and the functional significance of this variant is currently unknown. In summary, the available evidence is currently insufficient to determine the role of this variant in disease. Therefore, it has been classified as a Variant of Uncertain Significance.